The following is an entry in ClinVar:

NM_000289.6(PFKM):c.1742C>T (p.Ala581Val)

Gene: PFKM (phosphofructokinase, muscle; plus strand). Cytogenetic location: 12q13.11.
Variant type: single nucleotide variant.
Coding change: c.1742C>T on transcript NM_000289.6 (MANE Select); coding-DNA position 1742, C replaced by T.
Protein change: p.Ala581Val; replaces alanine 581 with valine.
Molecular consequence: missense variant. On other transcripts: non-coding transcript variant (6).
Genome position (GRCh38, 1-based): chr12:48,142,870, C>T. VCF-style: chr12-48142870-C-T. GRCh37 (hg19) VCF-style: chr12-48536653-C-T.
Other names: c.1955C>T, p.Ala652Val (NM_001166686.2, NM_001354737.1, NM_001354738.1 and 1 more transcripts); c.1742C>T, p.Ala581Val (NM_001166687.2, NM_001166688.2, NM_001354742.2 and 2 more transcripts); c.2051C>T, p.Ala684Val (NM_001354735.1, NM_001354736.1); c.1886C>T, p.Ala629Val (NM_001354740.1); c.1766C>T, p.Ala589Val (NM_001354741.2); c.1655C>T, p.Ala552Val (NM_001354745.2); c.1616C>T, p.Ala539Val (NM_001354746.2); c.1592C>T, p.Ala531Val (NM_001354747.2, NM_001354748.2); and 1 more; short protein forms A550V, A531V, A539V, A552V, A581V, A652V, A589V, A629V.
Identifiers: ClinVar variation 2072682 (VCV002072682.2), dbSNP rs747499720, ClinGen allele CA6537432.

ClinVar aggregate classification (germline): Uncertain significance. Review status: criteria provided, multiple submitters, no conflicts (2 of 4 stars). 2 submissions from 2 submitters: Uncertain significance (2). Last evaluated 2022-01-27.

Conditions:
Inborn genetic diseases. Identifiers: MedGen C0950123, MeSH D030342.
Glycogen storage disease, type VII (GSD7). Also called: MUSCLE PHOSPHOFRUCTOKINASE DEFICIENCY; PFKM DEFICIENCY; TARUI DISEASE; GSD VII. Identifiers: Orphanet 371, MedGen C0017926, MONDO:0009295, OMIM 232800.

Allele frequency attached by ClinVar (database versions not stated): gnomAD 0.00001; ExAC 0.00002; TOPMed 0.00002; gnomAD exomes 0.00007.
gnomAD v4.1: 97 of 1,614,040 alleles (0.006%); highest among the groups gnomAD compares: Non-Finnish European, 0.0081%; no homozygotes.

Submissions (2):

Labcorp Genetics (formerly Invitae), Labcorp
Classification: Uncertain significance for Glycogen storage disease, type VII. Last evaluated: 2022-01-27. Review status: criteria provided, single submitter. Criteria: Invitae Variant Classification Sherloc (09022015). Collection method: clinical testing. Allele origin: germline.
Comment: This sequence change replaces alanine, which is neutral and non-polar, with valine, which is neutral and non-polar, at codon 581 of the PFKM protein (p.Ala581Val). This variant is present in population databases (rs747499720, gnomAD 0.003%). This variant has not been reported in the literature in individuals affected with PFKM-related conditions. Algorithms developed to predict the effect of missense changes on protein structure and function are either unavailable or do not agree on the potential impact of this missense change (SIFT: "Deleterious"; PolyPhen-2: "Benign"; Align-GVGD: "Class C55"). In summary, the available evidence is currently insufficient to determine the role of this variant in disease. Therefore, it has been classified as a Variant of Uncertain Significance.

Ambry Genetics
Classification: Uncertain significance for Inborn genetic diseases. Last evaluated: 2021-09-30. Review status: criteria provided, single submitter. Criteria: Ambry Variant Classification Scheme 2023. Collection method: clinical testing. Allele origin: germline.